The following is an entry in ClinVar:

ClinVar aggregate classification (germline): Pathogenic (1 of 4 stars; one submission).

Submission:

Labcorp Genetics (formerly Invitae), Labcorp
Classification: Pathogenic. Last evaluated: 2022-10-17. Review status: criteria provided, single submitter. Criteria: Invitae Variant Classification Sherloc (09022015). Collection method: clinical testing. Allele origin: germline.
Comment: This variant is a gross deletion of the genomic region encompassing exon(s) 8-9 of the VPS13A gene. This variant would be expected to be in-frame, preserving the integrity of the reading frame. A similar copy number variant has been observed in individual(s) with chorea-acanthocytosis (PMID: 29845114). It has also been observed to segregate with disease in related individuals. For these reasons, this variant has been classified as Pathogenic.

Literature cited by the submitters: PubMed 29845114.

NC_000009.12:g.(?_77212959)_(77213324_?)del

Gene: VPS13A (vacuolar protein sorting 13 homolog A; plus strand). Cytogenetic location: 9q21.2.
Variant type: Deletion.
Identifiers: ClinVar variation 831596 (VCV000831596.5).